The following is an entry in ClinVar:

NM_003356.4(UCP3):c.499A>C (p.Arg167=)

Gene: UCP3 (uncoupling protein 3; minus strand). Cytogenetic location: 11q13.4.
Variant type: single nucleotide variant.
Coding change: c.499A>C on transcript NM_003356.4 (MANE Select); coding-DNA position 499, A replaced by C.
Protein change: p.Arg167=; no amino-acid change (arginine 167 retained).
Molecular consequence: synonymous variant.
Genome position (GRCh38, 1-based): chr11:74,005,772, T>G on the plus strand (A>C on the coding strand, the complement: UCP3 is on the minus strand). VCF-style: chr11-74005772-T-G. GRCh37 (hg19) VCF-style: chr11-73716817-T-G.
Other names: c.499A>C, p.Arg167= (NM_022803.3).
Identifiers: ClinVar variation 4978802 (VCV004978802.1).
Genomic context (GRCh38, chr11:74,005,772, plus strand): 5'-TCCAGAGTCCAGACCTACCTTTCCACAGGCCCCTGACTCCTTCCTCCCTGGCGATGGTTC[T>G]GTAGGCGTCCATAGTCCCGCTGTATTTTCTGTCGCTCCTGGATGGCCCGAGGTGTATGCT-3'
Protein context (NP_003347.1, residues 157-177): RKYSGTMDAY[Arg167=]TIAREEGVRG

ClinVar aggregate classification (germline): Likely benign (1 of 4 stars; one submission).

Conditions:
UCP3-related disorder. Also called: UCP3-related condition.

gnomAD v4.1: 4 of 1,614,122 alleles (0.00025%); highest among the groups gnomAD compares: Middle Eastern, 0.033%; no homozygotes.

Submission:

PreventionGenetics, part of Exact Sciences
Classification: Likely benign for UCP3-related condition. Last evaluated: 2025-10-22. Review status: criteria provided, single submitter. Criteria: ACMG Guidelines, 2015. Collection method: clinical testing. Allele origin: germline.
Comment: This variant is classified as likely benign based on ACMG/AMP sequence variant interpretation guidelines (Richards et al. 2015 PMID: 25741868, with internal and published modifications).